The following is an entry in ClinVar:

ClinVar aggregate classification (germline): Pathogenic. Review status: reviewed by expert panel (3 of 4 stars). 31 submissions from 31 submitters: Pathogenic (1). 30 of the submissions do not count toward it. Last evaluated 2016-04-22.

Conditions:
BRCA1-related cancer predisposition. Identifiers: MedGen CN377757, MONDO:0700268.
BRCA1-related disorder. Also called: BRCA1-related condition.
Breast and/or ovarian cancer. Identifiers: MedGen CN221562.
Hereditary cancer-predisposing syndrome. Also called: Neoplastic Syndromes, Hereditary; Tumor predisposition; Hereditary neoplastic syndrome; Hereditary Cancer Syndrome. Identifiers: Orphanet 140162, MedGen C0027672, MeSH D009386, MONDO:0015356.
Hereditary breast ovarian cancer syndrome. Also called: Breast and ovarian cancer; Hereditary breast and/or ovarian cancer syndrome; Hereditary breast and ovarian cancer syndrome (HBOC); Hereditary breast and ovarian cancer; Hereditary breast and ovarian cancer syndrome; BRCA1- and BRCA2-Associated Hereditary Breast and Ovarian Cancer. Identifiers: Orphanet 145, MedGen C0677776, MeSH D061325, MONDO:0003582. Disease mechanism: loss of function.
Breast-ovarian cancer, familial, susceptibility to, 1 (BROVCA1). Also called: BRCA1 Hereditary Breast and Ovarian Cancer; OVARIAN CANCER, SUSCEPTIBILITY TO. Identifiers: Orphanet 145, MedGen C2676676, MONDO:0011450, OMIM 604370. Disease mechanism: loss of function.
Malignant tumor of breast. Also called: Cancer breast; Malignant breast neoplasm. Identifiers: MedGen C0006142, MONDO:0007254. Disease mechanism: loss of function.

Submissions 1 to 9 of 31:

Evidence-based Network for the Interpretation of Germline Mutant Alleles (ENIGMA)
Classification: Pathogenic for Breast-ovarian cancer, familial, susceptibility to, 1. Last evaluated: 2016-04-22. Review status: reviewed by expert panel. Criteria: ENIGMA BRCA1/2 Classification Criteria (2015). Collection method: curation. Allele origin: germline.
Comment: Variant allele predicted to encode a truncated non-functional protein.

Labcorp Genetics (formerly Invitae), Labcorp
Classification: Pathogenic for Hereditary breast ovarian cancer syndrome. Last evaluated: 2026-01-16. Review status: criteria provided, single submitter. Criteria: Invitae Variant Classification Sherloc (09022015). Collection method: clinical testing. Allele origin: germline. Not counted in ClinVar's aggregate classification.
Comment: This sequence change creates a premature translational stop signal (p.Leu392Glnfs*5) in the BRCA1 gene. It is expected to result in an absent or disrupted protein product. Loss-of-function variants in BRCA1 are known to be pathogenic (PMID: 20104584). This variant is present in population databases (rs80359874, gnomAD 0.0009%). This premature translational stop signal has been observed in individual(s) with breast and/or ovarian cancer and prostate cancer (PMID: 7894491, 8571953, 10682686, 11179017, 17688236, 19648928, 21324516, 22333603, 23569316, 25556971). It is commonly reported in individuals of British and Irish ancestry (PMID: 8571953, 10682686). This variant is also known as 1294del40. ClinVar contains an entry for this variant (Variation ID: 17665). For these reasons, this variant has been classified as Pathogenic.

PreventionGenetics, part of Exact Sciences
Classification: Pathogenic for BRCA1-related condition. Last evaluated: 2025-12-01. Review status: criteria provided, single submitter. Criteria: ACMG Guidelines, 2015. Collection method: clinical testing. Allele origin: germline. Not counted in ClinVar's aggregate classification.
Comment: The BRCA1 c.1175_1214del40 variant is predicted to result in a frameshift and premature protein termination (p.Leu392Glnfs*5). This variant is also referred to as 1294_1333del40 and 1294del40 in the literature. This variant has been identified in individuals with epithelial ovarian cancer (Table S1, Carter et al. 2018. PubMed ID: 30322717; Ramus et al. 2007. PubMed ID: 17688236; Table 3, referred to as 1293del40, Simard et al. 1994. PubMed ID: 7894492; Table 1, Zhang et al. 2011. PubMed ID: 21324516), breast and/or ovarian cancer (Table 1, Castilla et al. 1994. PubMed ID: 7894491; Table 2, Heramb et al. 2018. PubMed ID: 29339979), triple negative breast cancer (Table S1, Robertson et al. 2012. PubMed ID: 22333603), and prostate cancer (Castro et al. 2013. PubMed ID: 23569316), as well as individual undergoing hereditary cancer genetic testing (Table 2, Lai et al. 2015. PubMed ID: 25685387; Table S1, Susswein et al. 2016. PubMed ID: 26681312; Table 3, Trujillano et al. 2015. PubMed ID: 25556971). This variant is reported in 0.00088% of alleles in individuals of European (Non-Finnish) descent in gnomAD, and in ClinVar, it is reported as pathogenic by several genetic testing laboratories (Variation ID: 17665). Based on these findings, we interpret this variant as pathogenic.

Blueprint Genetics
Classification: Pathogenic for BRCA1-related disorders. Last evaluated: 2024-11-12. Review status: criteria provided, single submitter. Criteria: ACMG Guidelines, 2015. Collection method: clinical testing. Allele origin: germline. Affected: yes. Observed: 5 variant alleles. Not counted in ClinVar's aggregate classification.

All of Us Research Program, National Institutes of Health
Classification: Pathogenic for BRCA1-related cancer predisposition. Last evaluated: 2024-08-08. Review status: criteria provided, single submitter. Criteria: ACMG Guidelines, 2015. Collection method: clinical testing. Allele origin: germline. Inheritance: Autosomal dominant inheritance. Observed: 6 variant alleles, 6 heterozygotes. Not counted in ClinVar's aggregate classification.
Comment: This variant deletes 40 nucleotides in exon 10 of the BRCA1 gene, creating a frameshift and premature translation stop signal. This variant is expected to result in an absent or non-functional protein product. This variant has been reported in many individuals affected with breast and ovarian cancer (PMID: 8571953, 21324516, 22333603, 25556971, 26057125), including 13 individuals affected with breast cancer and 17 individuals affected with ovarian cancer from 6 families (PMID: 8571953). In a large breast cancer case-control study, this variant has been observed in 4/60466 cases and 1/53461 unaffected controls (PMID: 33471991). This variant has been identified in 2/250822 chromosomes in the general population by the Genome Aggregation Database (gnomAD). Loss of BRCA1 function is a known mechanism of disease. Based on the available evidence, this variant is classified as Pathogenic.

This study involves interpretation of variants in research participants for the purpose of population health screening. Participant phenotype was not available at the time of variant classification. Additional details can be found in publication PMID: 35346344, PMCID: PMC8962531

Quest Diagnostics Nichols Institute San Juan Capistrano
Classification: Pathogenic. Last evaluated: 2024-07-16. Review status: criteria provided, single submitter. Criteria: Quest Diagnostics criteria. Collection method: clinical testing. Allele origin: unknown. Not counted in ClinVar's aggregate classification.
Comment: The BRCA1 c.1175_1214del (p.Leu392Glnfs*5) variant alters the translational reading frame of the BRCA1 mRNA and causes the premature termination of BRCA1 protein synthesis. Based on the available information, this variant is classified as pathogenic.

Baylor Genetics
Classification: Pathogenic for Breast-ovarian cancer, familial, susceptibility to, 1. Last evaluated: 2024-03-18. Review status: criteria provided, single submitter. Criteria: ACMG Guidelines, 2015. Collection method: clinical testing. Allele origin: unknown. Not counted in ClinVar's aggregate classification.

Revvity Omics, Revvity
Classification: Pathogenic. Last evaluated: 2024-01-08. Review status: criteria provided, single submitter. Criteria: ACMG Guidelines, 2015. Collection method: clinical testing. Allele origin: germline. Not counted in ClinVar's aggregate classification.

Color Diagnostics, LLC DBA Color Health
Classification: Pathogenic for Hereditary cancer-predisposing syndrome. Last evaluated: 2023-12-04. Review status: criteria provided, single submitter. Criteria: ACMG Guidelines, 2015. Collection method: clinical testing. Allele origin: germline. Not counted in ClinVar's aggregate classification.
Comment: This variant deletes 40 nucleotides in exon 10 of the BRCA1 gene, creating a frameshift and premature translation stop signal. This variant is expected to result in an absent or non-functional protein product. This variant has been reported in many individuals affected with breast and ovarian cancer (PMID: 8571953, 21324516, 22333603, 25556971, 26057125), including 13 individuals affected with breast cancer and 17 individuals affected with ovarian cancer from 6 families (PMID: 8571953). In a large breast cancer case-control study, this variant has been observed in 4/60466 cases and 1/53461 unaffected controls (PMID: 33471991). This variant has been identified in 2/250822 chromosomes in the general population by the Genome Aggregation Database (gnomAD). Loss of BRCA1 function is a known mechanism of disease. Based on the available evidence, this variant is classified as Pathogenic.

NM_007294.4(BRCA1):c.1175_1214del (p.Leu392fs)

Gene: BRCA1 (BRCA1 DNA repair associated; minus strand). Cytogenetic location: 17q21.31.
Variant type: Deletion.
Coding change: c.1175_1214del on transcript NM_007294.4 (MANE Select); coding-DNA positions 1175 to 1214, 40 bases deleted.
Protein change: p.Leu392fs; shifts the reading frame from leucine 392.
Molecular consequence: frameshift variant. On other transcripts: intron variant (137).
Genome position (GRCh38, 1-based): chr17:43,094,317-43,094,356, 40 bases deleted; deleting any 40 consecutive bases within chr17:43,094,317-43,094,357 gives the same sequence; the c. name uses the placement nearest the transcript's 3' end. GRCh37 (hg19): chr17:41,246,335-41,246,374.
Other names: 1294_1333del40; 1294del40; c.1175_1214del (U14680.1); c.1175_1214delTGTTAGGTTCTGATGACTCACATGATGGGGAGTCTGAATC (NM_007294.3); c.1175_1214del40 (NM_007294.3); c.962_1001del, p.Leu321fs (NM_001407571.1, NM_001407853.1, NM_001407894.1 and 9 more transcripts); c.1175_1214del, p.Leu392fs (NM_001407581.1, NM_001407582.1, NM_001407583.1 and 30 more transcripts); c.1172_1211del, p.Leu391fs (NM_001407587.1, NM_001407590.1, NM_001407591.1 and 22 more transcripts); and 45 more; short protein forms L345fs, L392fs, L265fs, L322fs, L325fs, L351fs, L304fs, L321fs.
Identifiers: ClinVar variation 17665 (VCV000017665.62), dbSNP rs80359874, ClinGen allele CA000776.